The following is an entry in ClinVar:

ClinVar aggregate classification (germline): Uncertain significance. Review status: criteria provided, multiple submitters, no conflicts (2 of 4 stars). 2 submissions from 2 submitters: Uncertain significance (2). Last evaluated 2024-08-12.

Conditions:
Inborn genetic diseases. Identifiers: MedGen C0950123, MeSH D030342.

Allele frequency attached by ClinVar (database versions not stated): gnomAD 0.00001; TOPMed 0.00001.
gnomAD v4.1: 68 of 1,614,052 alleles (0.0042%); highest among the groups gnomAD compares: Non-Finnish European, 0.0057%; no homozygotes.

Submissions (2):

Labcorp Genetics (formerly Invitae), Labcorp
Classification: Uncertain significance. Last evaluated: 2024-08-12. Review status: criteria provided, single submitter. Criteria: Invitae Variant Classification Sherloc (09022015). Collection method: clinical testing. Allele origin: germline.
Comment: This sequence change replaces leucine, which is neutral and non-polar, with valine, which is neutral and non-polar, at codon 215 of the GJB3 protein (p.Leu215Val). This variant is present in population databases (no rsID available, gnomAD 0.003%). This variant has not been reported in the literature in individuals affected with GJB3-related conditions. ClinVar contains an entry for this variant (Variation ID: 2471346). Advanced modeling of protein sequence and biophysical properties (such as structural, functional, and spatial information, amino acid conservation, physicochemical variation, residue mobility, and thermodynamic stability) performed at Invitae indicates that this missense variant is not expected to disrupt GJB3 protein function with a negative predictive value of 80%. In summary, the available evidence is currently insufficient to determine the role of this variant in disease. Therefore, it has been classified as a Variant of Uncertain Significance.

Ambry Genetics
Classification: Uncertain significance for Inborn genetic diseases. Last evaluated: 2023-03-06. Review status: criteria provided, single submitter. Criteria: Ambry Variant Classification Scheme 2023. Collection method: clinical testing. Allele origin: germline.

NM_024009.3(GJB3):c.643C>G (p.Leu215Val)

Gene: GJB3 (gap junction protein beta 3; plus strand). Cytogenetic location: 1p34.3.
Variant type: single nucleotide variant.
Coding change: c.643C>G on transcript NM_024009.3 (MANE Select); coding-DNA position 643, C replaced by G.
Protein change: p.Leu215Val; replaces leucine 215 with valine.
Molecular consequence: missense variant.
Genome position (GRCh38, 1-based): chr1:34,785,405, C>G. VCF-style: chr1-34785405-C-G. GRCh37 (hg19) VCF-style: chr1-35251006-C-G.
Other names: c.643C>G, p.Leu215Val (NM_001005752.2); short protein forms L215V.
Identifiers: ClinVar variation 2471346 (VCV002471346.5), dbSNP rs994339316, ClinGen allele CA20571927.
Genomic context (GRCh38, chr1:34,785,405, plus strand): 5'-TCCGCCGTCTGCATCGTACTCACCATCTGTGAGCTCTGCTACCTCATCTGCCACAGGGTC[C>G]TGCGAGGCCTGCACAAGGACAAGCCTCGAGGGGGTTGCAGCCCCTCGTCCTCCGCCAGCC-3'
Protein context (NP_076872.1, residues 205-225): ELCYLICHRV[Leu215Val]RGLHKDKPRG